The following is an entry in ClinVar:

NM_145647.4(TBC1D31):c.381A>G (p.Ser127=)

Gene: TBC1D31 (TBC1 domain family member 31; plus strand). Cytogenetic location: 8q24.13.
Variant type: single nucleotide variant.
Coding change: c.381A>G on transcript NM_145647.4 (MANE Select); coding-DNA position 381, A replaced by G.
Protein change: p.Ser127=; no amino-acid change (serine 127 retained).
Molecular consequence: synonymous variant. On other transcripts: 5 prime UTR variant (1).
Genome position (GRCh38, 1-based): chr8:123,084,202, A>G. VCF-style: chr8-123084202-A-G. GRCh37 (hg19) VCF-style: chr8-124096442-A-G.
Other names: c.381A>G, p.Ser127= (NM_001145088.2, NM_001363148.1, NM_001363150.1 and 2 more transcripts); c.66A>G, p.Ser22= (NM_001330606.2, NM_001363152.1, NM_001363154.1 and 1 more transcripts); c.351A>G, p.Ser117= (NM_001363149.1); c.-986A>G (NM_001363156.1).
Identifiers: ClinVar variation 3032699 (VCV003032699.2), dbSNP rs2129889280, ClinGen allele CA462680695.

ClinVar aggregate classification (germline): Likely benign (0 of 4 stars; one submission).

Conditions:
TBC1D31-related disorder. Also called: TBC1D31-related condition.

gnomAD v4.1: 1 of 1,614,228 alleles (0.000062%); no homozygotes.

Submission:

PreventionGenetics, part of Exact Sciences
Classification: Likely benign for TBC1D31-related condition. Last evaluated: 2020-09-15. Review status: no assertion criteria provided. Collection method: clinical testing. Allele origin: germline.
Comment: This variant is classified as likely benign based on ACMG/AMP sequence variant interpretation guidelines (Richards et al. 2015 PMID: 25741868, with internal and published modifications).